The following is an entry in ClinVar:

NM_000152.5(GAA):c.2314T>C (p.Trp772Arg)

Gene: GAA (alpha glucosidase; plus strand). Cytogenetic location: 17q25.3.
Variant type: single nucleotide variant.
Coding change: c.2314T>C on transcript NM_000152.5 (MANE Select); coding-DNA position 2314, T replaced by C.
Protein change: p.Trp772Arg; replaces tryptophan 772 with arginine.
Molecular consequence: missense variant.
Genome position (GRCh38, 1-based): chr17:80,117,092, T>C. VCF-style: chr17-80117092-T-C. GRCh37 (hg19) VCF-style: chr17-78090891-T-C.
Other names: NM_000152.5(GAA):c.2314T>C; p.Trp772Arg; c.2314T>C, p.Trp772Arg (NM_001079803.3, NM_001079804.3); c.2314T>C (LRG_673t1); short protein forms W772R.
Identifiers: ClinVar variation 552527 (VCV000552527.4), dbSNP rs1555602703, ClinGen allele CA401324918.

ClinVar aggregate classification (germline): Likely pathogenic. Review status: reviewed by expert panel (3 of 4 stars). 3 submissions from 3 submitters: Likely pathogenic (1). 2 of the submissions do not count toward it. Last evaluated 2022-09-19.

Conditions:
Glycogen storage disease, type II (IOPD). Also called: POMPE DISEASE, INFANTILE-ONSET; GLYCOGEN STORAGE DISEASE II, INFANTILE-ONSET; ACID ALPHA-GLUCOSIDASE DEFICIENCY, INFANTILE-ONSET; GAA DEFICIENCY, INFANTILE-ONSET; ACID MALTASE DEFICIENCY, INFANTILE-ONSET; CARDIOMEGALIA GLYCOGENICA DIFFUSA. Identifiers: Orphanet 365, MedGen C0017921, MONDO:0009290, OMIM 232300.

Submissions (3):

ClinGen Lysosomal Storage Disorder Variant Curation Expert Panel
Classification: Likely pathogenic for Glycogen storage disease, type II. Last evaluated: 2022-09-19. Review status: reviewed by expert panel. Criteria: clingen_lsd_acmg_specifications_v2-1. Collection method: curation. Allele origin: germline. Inheritance: Autosomal recessive inheritance.
Comment: The NM_000152.5:c.2314T>C variant in GAA is a missense variant predicted to cause substitution of Tryptophan by Arginine at amino acid 772 (p.Trp772Arg). This variant has been detected in at least 1 individual with Pompe disease that was compound heterozygous for the variant and a pathogenic variant (PMID: 31619483, 18757064) (PM3_Supporting). At least 1 patient with this variant had documented GAA deficiency in leukocytes or fibroblasts was noted to have deficient GAA activity but results were not provided and was reported to be eligible for enzyme replacement therapy for Pompe disease (PMID: 31619483, 18757064) (PP4). This variant is absent in gnomAD v2.1.1 (PM2_Supporting). Expression of the variant in COS cells resulted in 5% wild type GAA activity and evidence of abnormal GAA synthesis and processing leading the variant to be described as Class B (“potentially less severe”), indicating that this variant may impact protein function (PMID: 18425781) (PS3_Moderate). The computational predictor REVEL gives a score of 0.93 which is above the threshold of 0.7, evidence that correlates with impact to GAA function (PP3). There is a ClinVar entry for this variant (Variation ID: 552527; 1 star review status) with 1 submitter classifying the variant as a VUS. In summary, this variant meets the criteria to be classified as Likely Pathogenic for Pompe disease. ACMG/AMP criteria met, based on the specification of the ClinGen LSD VCEP: PS3_Moderate, PM2_Supporting, PP3, PP4, PM3_Supporting.

Genomenon, Inc
Classification: Likely pathogenic for Glycogen storage disease, type II. Last evaluated: 2026-07-01. Review status: criteria provided, single submitter. Criteria: Genomenon Sequence Variant Interpretation Standards - Updated. Collection method: curation. Allele origin: germline. Affected: yes. Not counted in ClinVar's aggregate classification.
Comment: GAA p.Trp772Arg (c.2314T>C) is a missense variant that changes the amino acid at codon 772 from Tryptophan to Arginine. This variant has been observed in at least one proband with a GAA-related disorder in the compound heterozygous and/or homozygous state (PMID:31619483;18757064;). At least one functional study has demonstrated a substantial alteration in protein function relative to the wild-type (PMID:18425781). It is absent or not present at a significant frequency in gnomAD. In silico models predict that this variant is possibly or probably damaging. In conclusion, we classify GAA p.Trp772Arg (c.2314T>C) as a likely pathogenic variant.

Counsyl
Classification: Uncertain significance for Glycogen storage disease, type II. Last evaluated: 2017-06-21. Review status: no assertion criteria provided. Collection method: clinical testing. Allele origin: unknown. Not counted in ClinVar's aggregate classification.

Literature cited by the submitters: PubMed 31619483 (cited by Genomenon, Inc); PubMed 18757064 (cited by Genomenon, Inc and Counsyl); PubMed 18425781 (cited by Genomenon, Inc and Counsyl).